The following is an entry in ClinVar:

ClinVar aggregate classification (germline): Uncertain significance (1 of 4 stars; one submission).

Conditions:
Cardiomyopathy (CMYO). Also called: Cardiomyopathies. Identifiers: Orphanet 167848, MedGen C0878544, MONDO:0004994, HP:0001638. Inheritance: Various modes of inheritance.

Submission:

Color Diagnostics, LLC DBA Color Health
Classification: Uncertain significance for Cardiomyopathy. Last evaluated: 2024-03-06. Review status: criteria provided, single submitter. Criteria: ACMG Guidelines, 2015. Collection method: clinical testing. Allele origin: germline.
Comment: This missense variant replaces glutamine with glutamic acid at codon 1262 of the DSP protein. Computational prediction suggests that this variant may not impact protein structure and function (internally defined REVEL score threshold <= 0.5, PMID: 27666373). To our knowledge, functional studies have not been reported for this variant. This variant has not been reported in individuals affected with cardiovascular disorders in the literature. This variant has not been identified in the general population by the Genome Aggregation Database (gnomAD). The available evidence is insufficient to determine the role of this variant in disease conclusively. Therefore, this variant is classified as a Variant of Uncertain Significance.

NM_004415.4(DSP):c.3784C>G (p.Gln1262Glu)

Gene: DSP (desmoplakin; plus strand). Cytogenetic location: 6p24.3.
Variant type: single nucleotide variant.
Coding change: c.3784C>G on transcript NM_004415.4 (MANE Select); coding-DNA position 3784, C replaced by G.
Protein change: p.Gln1262Glu; replaces glutamine 1262 with glutamic acid.
Molecular consequence: missense variant. On other transcripts: intron variant (1).
Genome position (GRCh38, 1-based): chr6:7,579,974, C>G. VCF-style: chr6-7579974-C-G. GRCh37 (hg19) VCF-style: chr6-7580207-C-G.
Other names: c.3784C>G, p.Gln1262Glu (NM_001319034.2); c.3582+202C>G (NM_001008844.3); short protein forms Q1262E.
Identifiers: ClinVar variation 1331832 (VCV001331832.3), dbSNP rs2113692628, ClinGen allele CA362684849.